The following is an entry in ClinVar:

NM_017617.5(NOTCH1):c.1255+4G>T

Gene: NOTCH1 (notch receptor 1; minus strand). Cytogenetic location: 9q34.3.
Variant type: single nucleotide variant.
Coding change: c.1255+4G>T on transcript NM_017617.5 (MANE Select); 4 bases into the intron after coding-DNA position 1255, G replaced by T.
Molecular consequence: intron variant.
Genome position (GRCh38, 1-based): chr9:136,518,133, C>A on the plus strand (G>T on the coding strand, the complement: NOTCH1 is on the minus strand). VCF-style: chr9-136518133-C-A. GRCh37 (hg19) VCF-style: chr9-139412585-C-A.
Identifiers: ClinVar variation 5025810 (VCV005025810.1).
Genomic context (GRCh38, chr9:136,518,133, plus strand): 5'-TCTCATCGGTTCTGGGGCCAGGCTGCCACCCCCACCTGGCCGCACCCCCTGTGCTGGCAC[C>A]TACCCAGCGAGCACTCATCCACGTCCTGGCTGCAGGCCGGGCCCGTGTACCCCGAGGGGC-3'

ClinVar aggregate classification (germline): Uncertain significance (1 of 4 stars; one submission).

Conditions:
Familial thoracic aortic aneurysm and aortic dissection (TAAD). Also called: Thoracic aortic aneurysms and dissections. Identifiers: Orphanet 91387, MedGen C4707243, MONDO:0019625.

Submission:

Ambry Genetics
Classification: Uncertain significance for Familial thoracic aortic aneurysm and aortic dissection. Last evaluated: 2026-08-05. Review status: criteria provided, single submitter. Criteria: Ambry Variant Classification Scheme 2023. Collection method: clinical testing. Allele origin: germline.
Comment: The c.1255+4G>T intronic variant results from a G to T substitution 4 nucleotides after coding exon 7 in the NOTCH1 gene. This nucleotide position is poorly conserved in available vertebrate species. In silico splice site analysis predicts that this alteration will not have any significant effect on splicing. Based on the available evidence, the clinical significance of this variant remains unclear.